The following is an entry in ClinVar:

ClinVar aggregate classification (germline): Likely benign (0 of 4 stars; one submission).

Conditions:
KCNJ11-related disorder. Also called: KCNJ11-related disorders; KCNJ11-related condition.

Submission:

PreventionGenetics, part of Exact Sciences
Classification: Likely benign for KCNJ11-related condition. Last evaluated: 2021-06-21. Review status: no assertion criteria provided. Collection method: clinical testing. Allele origin: germline.
Comment: This variant is classified as likely benign based on ACMG/AMP sequence variant interpretation guidelines (Richards et al. 2015 PMID: 25741868, with internal and published modifications).

NM_000525.4(KCNJ11):c.-508T>G

Gene: KCNJ11 (potassium inwardly rectifying channel subfamily J member 11; minus strand). Cytogenetic location: 11p15.1.
Variant type: single nucleotide variant.
Coding change: c.-508T>G on transcript NM_000525.4 (MANE Select); 508 bases upstream of the start codon, T replaced by G.
Molecular consequence: 5 prime UTR variant. On other transcripts: intron variant (3).
Genome position (GRCh38, 1-based): chr11:17,388,599, A>C on the plus strand (T>G on the coding strand, the complement: KCNJ11 is on the minus strand). VCF-style: chr11-17388599-A-C. GRCh37 (hg19) VCF-style: chr11-17410146-A-C.
Other names: c.-17+575T>G (NM_001166290.2); c.-17+242T>G (NM_001377297.1); c.-76+242T>G (NM_001377296.1).
Identifiers: ClinVar variation 3059441 (VCV003059441.2), dbSNP rs2496414372, ClinGen allele CA2508887621.